The following is an entry in ClinVar:

ClinVar aggregate classification (germline): Pathogenic/Likely pathogenic. Review status: criteria provided, multiple submitters, no conflicts (2 of 4 stars). 3 submissions from 3 submitters: Pathogenic (2); Likely pathogenic (1). Last evaluated 2023-07-27.

Conditions:
Familial cancer of breast. Also called: Hereditary breast cancer; hereditary breast carcinoma; BREAST CANCER, FAMILIAL. Identifiers: Orphanet 227535, MedGen C0346153, MONDO:0016419, OMIM 114480. Disease mechanism: loss of function.
Ataxia-telangiectasia syndrome (AT). Also called: ATAXIA-TELANGIECTASIA, COMPLEMENTATION GROUP A; ATAXIA-TELANGIECTASIA, FRESNO VARIANT; Ataxia-telangiectasia; Ataxia telangiectasia (A-T); Ataxia-telangiectasia, complementation group E; Cerebello-oculocutaneous telangiectasia. Identifiers: Orphanet 100, MedGen C0004135, MONDO:0008840, OMIM 208900.

Submissions (3):

Myriad Genetics, Inc.
Classification: Pathogenic for Familial cancer of breast. Last evaluated: 2023-07-27. Review status: criteria provided, single submitter. Criteria: Myriad Autosomal Dominant, Autosomal Recessive and X-Linked Classification Criteria (2023). Collection method: clinical testing. Allele origin: unknown.
Comment: This variant is considered pathogenic. This variant creates a termination codon and is predicted to result in premature protein truncation.

Labcorp Genetics (formerly Invitae), Labcorp
Classification: Pathogenic for Ataxia-telangiectasia syndrome. Last evaluated: 2021-12-23. Review status: criteria provided, single submitter. Criteria: Invitae Variant Classification Sherloc (09022015). Collection method: clinical testing. Allele origin: germline.
Comment: For these reasons, this variant has been classified as Pathogenic. This sequence change creates a premature translational stop signal (p.Leu1497*) in the ATM gene. It is expected to result in an absent or disrupted protein product. Loss-of-function variants in ATM are known to be pathogenic (PMID: 23807571, 25614872). This variant is not present in population databases (gnomAD no frequency). This variant has not been reported in the literature in individuals affected with ATM-related conditions.

Baylor Genetics
Classification: Likely pathogenic for Familial cancer of breast. Last evaluated: 2021-06-15. Review status: criteria provided, single submitter. Criteria: ACMG Guidelines, 2015. Collection method: clinical testing. Allele origin: unknown.

Literature cited by the submitters: PubMed 23807571 (cited by Labcorp Genetics (formerly Invitae), Labcorp); PubMed 25614872 (cited by Labcorp Genetics (formerly Invitae), Labcorp).

NM_000051.4(ATM):c.4490T>G (p.Leu1497Ter)

Gene: ATM (ATM serine/threonine kinase; plus strand). Cytogenetic location: 11q22.3.
Variant type: single nucleotide variant.
Coding change: c.4490T>G on transcript NM_000051.4 (MANE Select); coding-DNA position 4490, T replaced by G.
Protein change: p.Leu1497Ter; replaces leucine 1497 with a stop codon.
Molecular consequence: nonsense.
Genome position (GRCh38, 1-based): chr11:108,292,672, T>G. VCF-style: chr11-108292672-T-G. GRCh37 (hg19) VCF-style: chr11-108163399-T-G.
Other names: c.4490T>G, p.Leu1497Ter (NM_001351834.2); short protein forms L1497*.
Identifiers: ClinVar variation 2056154 (VCV002056154.6), dbSNP rs2082861857, ClinGen allele CA382533355.